The following is an entry in ClinVar:

ClinVar aggregate classification (germline): Uncertain significance (1 of 4 stars; one submission).

Conditions:
Cardiovascular phenotype. Identifiers: MedGen CN230736.

Submission:

Ambry Genetics
Classification: Uncertain significance for Cardiovascular phenotype. Last evaluated: 2025-03-23. Review status: criteria provided, single submitter. Criteria: Ambry Variant Classification Scheme 2023. Collection method: clinical testing. Allele origin: germline.
Comment: The p.N203Y variant (also known as c.607A>T), located in coding exon 4 of the EPHB4 gene, results from an A to T substitution at nucleotide position 607. The asparagine at codon 203 is replaced by tyrosine, an amino acid with dissimilar properties. This amino acid position is conserved. In addition, the in silico prediction for this alteration is inconclusive. Based on the available evidence, the clinical significance of this variant remains unclear.

NM_004444.5(EPHB4):c.607A>T (p.Asn203Tyr)

Gene: EPHB4 (EPH receptor B4; minus strand). Cytogenetic location: 7q22.1.
Variant type: single nucleotide variant.
Coding change: c.607A>T on transcript NM_004444.5 (MANE Select); coding-DNA position 607, A replaced by T.
Protein change: p.Asn203Tyr; replaces asparagine 203 with tyrosine.
Molecular consequence: missense variant.
Genome position (GRCh38, 1-based): chr7:100,822,472, T>A on the plus strand (A>T on the coding strand, the complement: EPHB4 is on the minus strand). VCF-style: chr7-100822472-T-A. GRCh37 (hg19) VCF-style: chr7-100420094-T-A.
Other names: short protein forms N203Y.
Identifiers: ClinVar variation 4018796 (VCV004018796.1).